The following is an entry in ClinVar:

NM_000531.6(OTC):c.475A>G (p.Ile159Val)

Gene: OTC (ornithine transcarbamylase; plus strand). Cytogenetic location: Xp11.4.
Variant type: single nucleotide variant.
Coding change: c.475A>G on transcript NM_000531.6 (MANE Select); coding-DNA position 475, A replaced by G.
Protein change: p.Ile159Val; replaces isoleucine 159 with valine.
Molecular consequence: missense variant.
Genome position (GRCh38, 1-based): chrX:38,401,363, A>G. VCF-style: chrX-38401363-A-G. GRCh37 (hg19) VCF-style: chrX-38260616-A-G.
Other names: c.475A>G, p.Ile159Val (NM_001407092.1); short protein forms I159V.
Identifiers: ClinVar variation 3071638 (VCV003071638.3), dbSNP rs1244955562, ClinGen allele CA412723532.
Genomic context (GRCh38, chrX:38,401,363, plus strand): 5'-TTGGCTCGAGTGTATAAACAATCAGATTTGGACACCCTGGCTAAAGAAGCATCCATCCCA[A>G]TTATCAATGGGCTGTCAGATTTGTACCATCCTATCCAGATCCTGGCTGATTACCTCACGC-3'
Protein context (NP_000522.3, residues 149-169): DTLAKEASIP[Ile159Val]INGLSDLYHP

ClinVar aggregate classification (germline): Uncertain significance. Review status: criteria provided, multiple submitters, no conflicts (2 of 4 stars). 3 submissions from 3 submitters: Uncertain significance (3). Last evaluated 2026-08-19.

Conditions:
Ornithine carbamoyltransferase deficiency (OTCD). Also called: ORNITHINE TRANSCARBAMYLASE DEFICIENCY; ORNITHINE TRANSCARBAMYLASE DEFICIENCY, HYPERAMMONEMIA DUE TO; OTC DEFICIENCY; Ornithine Carbamoyltransferase Deficiency Disease. Identifiers: Orphanet 664, MedGen C0268542, MONDO:0010703, OMIM 311250.

Allele frequency attached by ClinVar (database versions not stated): gnomAD exomes below 0.00001; TOPMed 0.00001.
gnomAD v4.1: 2 of 1,196,182 alleles (0.00017%); highest among the groups gnomAD compares: East Asian, 0.003%; no homozygotes.

Submissions (3):

Myriad Genetics, Inc.
Classification: Uncertain significance for Ornithine carbamoyltransferase deficiency. Last evaluated: 2026-08-19. Review status: criteria provided, single submitter. Criteria: Myriad Autosomal Dominant, Autosomal Recessive and X-Linked Classification Criteria (2023). Collection method: clinical testing. Allele origin: unknown.
Comment: NM_000531.5(OTC):c.475A>G(I159V) is a missense variant classified as a variant of uncertain significance in the context of ornithine transcarbamylase deficiency. I159V has been observed in a case with relevant disease (PMID: 40102887). Relevant functional assessments of this variant are not available in the literature. I159V has been observed in referenced population frequency databases. In summary, there is insufficient evidence to classify NM_000531.5(OTC):c.475A>G(I159V) as pathogenic or benign. Please note: this variant was assessed in the context of healthy population screening.

Color Diagnostics, LLC DBA Color Health
Classification: Uncertain significance for Ornithine carbamoyltransferase deficiency. Last evaluated: 2024-03-06. Review status: criteria provided, single submitter. Criteria: ACMG Guidelines, 2015. Collection method: clinical testing. Allele origin: germline.
Comment: This missense variant replaces isoleucine with valine at codon 159 of the OTC protein. Computational prediction suggests that this variant may not impact protein structure and function. To our knowledge, functional studies have not been reported for this variant. This variant has not been reported in individuals affected with ornithine carbamoyltransferase deficiency in the literature. This variant has been identified in 1/183261 chromosomes in the general population by the Genome Aggregation Database (gnomAD). The available evidence is insufficient to determine the role of this variant in disease conclusively. Therefore, this variant is classified as a Variant of Uncertain Significance.

All of Us Research Program, National Institutes of Health
Classification: Uncertain significance for Ornithine carbamoyltransferase deficiency. Last evaluated: 2023-06-08. Review status: criteria provided, single submitter. Criteria: ACMG Guidelines, 2015. Collection method: clinical testing. Allele origin: germline. Inheritance: X-linked inheritance. Observed: 1 variant allele, 1 homozygote.
Comment: This missense variant replaces isoleucine with valine at codon 159 of the OTC protein. Computational prediction suggests that this variant may not impact protein structure and function (internally defined REVEL score threshold <= 0.5, PMID: 27666373). To our knowledge, functional studies have not been reported for this variant. This variant has not been reported in individuals affected with ornithine carbamoyltransferase deficiency in the literature. This variant has been identified in 1/183261 chromosomes in the general population by the Genome Aggregation Database (gnomAD). The available evidence is insufficient to determine the role of this variant in disease conclusively. Therefore, this variant is classified as a Variant of Uncertain Significance.

This study involves interpretation of variants in research participants for the purpose of population health screening. Participant phenotype was not available at the time of variant classification. Additional details can be found in publication PMID: 35346344, PMCID: PMC8962531

Literature cited by the submitters: PubMed 40102887 (cited by Myriad Genetics, Inc.).